The following is an entry in ClinVar:

ClinVar aggregate classification (germline): Uncertain significance. Review status: criteria provided, multiple submitters, no conflicts (2 of 4 stars). 3 submissions from 3 submitters: Uncertain significance (3). Last evaluated 2026-01-26.

Conditions:
Retinitis pigmentosa (RP). Identifiers: Orphanet 791, MedGen C0035334, MeSH D012174, MONDO:0019200, OMIM 268000. Inheritance: Autosomal dominant, autosomal recessive and X linked inheritance.

Allele frequency attached by ClinVar (database versions not stated): gnomAD exomes 0.00008 and 0.00012; ExAC 0.00009; gnomAD 0.00012 and 0.00024; ESP Exome Variant Server 0.00015; TOPMed 0.00024.
gnomAD v4.1: 200 of 1,614,034 alleles (0.012%); highest among the groups gnomAD compares: Non-Finnish European, 0.015%; no homozygotes.

Submissions (3):

Labcorp Genetics (formerly Invitae), Labcorp
Classification: Uncertain significance. Last evaluated: 2026-01-26. Review status: criteria provided, single submitter. Criteria: Invitae Variant Classification Sherloc (09022015). Collection method: clinical testing. Allele origin: germline.
Comment: This sequence change replaces alanine, which is neutral and non-polar, with valine, which is neutral and non-polar, at codon 329 of the ROM1 protein (p.Ala329Val). This variant is present in population databases (rs139971812, gnomAD 0.02%). This variant has not been reported in the literature in individuals affected with ROM1-related conditions. ClinVar contains an entry for this variant (Variation ID: 305168). Invitae Evidence Modeling of protein sequence and biophysical properties (such as structural, functional, and spatial information, amino acid conservation, physicochemical variation, residue mobility, and thermodynamic stability) indicates that this missense variant is not expected to disrupt ROM1 protein function with a negative predictive value of 80%. In summary, the available evidence is currently insufficient to determine the role of this variant in disease. Therefore, it has been classified as a Variant of Uncertain Significance.

Blueprint Genetics
Classification: Uncertain significance. Last evaluated: 2024-11-26. Review status: criteria provided, single submitter. Criteria: ACMG Guidelines, 2015. Collection method: clinical testing. Allele origin: germline.

Illumina Laboratory Services, Illumina
Classification: Uncertain significance for Retinitis pigmentosa. Last evaluated: 2018-01-12. Review status: criteria provided, single submitter. Criteria: ICSL Variant Classification Criteria 13 December 2019. Collection method: clinical testing. Allele origin: germline.

NM_000327.4(ROM1):c.986C>T (p.Ala329Val)

Gene: ROM1 (retinal outer segment membrane protein 1; plus strand). Cytogenetic location: 11q12.3.
Variant type: single nucleotide variant.
Coding change: c.986C>T on transcript NM_000327.4 (MANE Select); coding-DNA position 986, C replaced by T.
Protein change: p.Ala329Val; replaces alanine 329 with valine.
Molecular consequence: missense variant.
Genome position (GRCh38, 1-based): chr11:62,614,769, C>T. VCF-style: chr11-62614769-C-T. GRCh37 (hg19) VCF-style: chr11-62382241-C-T.
Other names: short protein forms A329V.
Identifiers: ClinVar variation 305168 (VCV000305168.13), dbSNP rs139971812, ClinGen allele CA6049892.